The following is an entry in ClinVar:

NR_001566.3(TERC):n.319G>A

Genes: TERC (telomerase RNA component; minus strand), LOC110806306 (telomerase RNA component (TERC) promoter; plus strand). Cytogenetic location: 3q26.2.
Variant type: single nucleotide variant.
Genome position: GRCh38 VCF-style: chr3-169764742-C-T. GRCh37 (hg19) VCF-style: chr3-169482530-C-T.
Identifiers: ClinVar variation 449106 (VCV000449106.3), dbSNP rs1553915590, ClinGen allele CA436715060.
Genomic context (GRCh38, chr3:169,764,742, plus strand): 5'-GTTCCTCTTCCTGCGGCCTGAAAGGCCTGAACCTCGCCCTCGCCCCCGAGAGACCCGCGG[C>T]TGACAGAGCCCAACTCTTCGCGGTGGCAGTGGGTGCCTCCGGAGAAGCCCCGGGCCGACC-3'

ClinVar aggregate classification (germline): Likely pathogenic. Review status: criteria provided, multiple submitters, no conflicts (2 of 4 stars). 3 submissions from 3 submitters: Likely pathogenic (3). Last evaluated 2023-09-08.

Conditions:
TERC-related disorder. Also called: TERC-related condition.
Dyskeratosis congenita, autosomal dominant 1 (DKCA1). Also called: Dyskeratosis congenita Scoggins type. Identifiers: Orphanet 1775, MedGen C4551974, MONDO:0007485, OMIM 127550. Inheritance: Variable.

Submissions (3):

3billion
Classification: Likely pathogenic for Dyskeratosis congenita, autosomal dominant 1. Last evaluated: 2023-09-08. Review status: criteria provided, single submitter. Criteria: ACMG Guidelines, 2015. Collection method: clinical testing. Allele origin: germline. Affected: yes.
Comment: The variant is not observed in the gnomAD v2.1.1 dataset. Predicted Consequence/Location: Non-coding variant. Functional studies provide moderate evidence of the variant having a damaging effect on the gene or gene product (PMID: 27587879, 27587879). The variant has been reported at least twice as pathogenic without evidence for the classification (ClinVar ID: VCV000449106 /PMID: 27587879). Therefore, this variant is classified as Likely pathogenic according to the recommendation of ACMG/AMP guideline.

Blueprint Genetics
Classification: Likely pathogenic for TERC-related disorders. Last evaluated: 2023-09-05. Review status: criteria provided, single submitter. Criteria: ACMG Guidelines, 2015. Collection method: clinical testing. Allele origin: germline. Affected: yes. Observed: 3 variant alleles.

GeneDx
Classification: Likely pathogenic. Last evaluated: 2017-10-05. Review status: criteria provided, single submitter. Criteria: GeneDx Variant Classification (06012015). Collection method: clinical testing. Allele origin: germline. Affected: yes.
Comment: The r.319 G>A variant has not been published as a pathogenic variant, nor has it been reported as a benign variant to our knowledge. The variant is not observed in large population cohorts (Lek et al., 2016). This variant occurs at a position that is conserved across species. Functional studies have shown r.319 G>A interferes with binding to TERT and reduces telomerase activity (Boyraz et al., 2016). In summary, we consider this variant to be likely pathogenic.

Literature cited by the submitters: PubMed 27587879 (cited by 3billion).